The following is an entry in ClinVar:

NM_001365536.1(SCN9A):c.706G>T (p.Gly236Trp)

Gene: SCN9A (sodium voltage-gated channel alpha subunit 9; minus strand). Cytogenetic location: 2q24.3.
Variant type: single nucleotide variant.
Coding change: c.706G>T on transcript NM_001365536.1 (MANE Select); coding-DNA position 706, G replaced by T.
Protein change: p.Gly236Trp; replaces glycine 236 with tryptophan.
Molecular consequence: missense variant.
Genome position (GRCh38, 1-based): chr2:166,303,285, C>A on the plus strand (G>T on the coding strand, the complement: SCN9A is on the minus strand). VCF-style: chr2-166303285-C-A. GRCh37 (hg19) VCF-style: chr2-167159795-C-A.
Other names: c.706G>T, p.Gly236Trp (NM_002977.4); short protein forms G236W.
Identifiers: ClinVar variation 3754679 (VCV003754679.2).

ClinVar aggregate classification (germline): Likely pathogenic (1 of 4 stars; one submission).

Conditions:
Neuropathy, hereditary sensory and autonomic, type 2A (HSAN2A). Also called: ACROOSTEOLYSIS, GIACCAI TYPE; ACROOSTEOLYSIS, NEUROGENIC; WNK1-Related HSAN2 (HSAN2A); MORVAN DISEASE; NEUROPATHY, CONGENITAL SENSORY; NEUROPATHY, HEREDITARY SENSORY RADICULAR, AUTOSOMAL RECESSIVE. Identifiers: Orphanet 970, MedGen C2752089, MONDO:0024309, OMIM 201300.
Generalized epilepsy with febrile seizures plus, type 7 (GEFSP7). Also called: GEFS+, TYPE 7. Identifiers: Orphanet 36387, MedGen C2751778, MONDO:0013470, OMIM 613863.

Submission:

Labcorp Genetics (formerly Invitae), Labcorp
Classification: Likely pathogenic for Neuropathy, hereditary sensory and autonomic, type 2A; Generalized epilepsy with febrile seizures plus, type 7. Last evaluated: 2024-03-20. Review status: criteria provided, single submitter. Criteria: Invitae Variant Classification Sherloc (09022015). Collection method: clinical testing. Allele origin: germline.
Comment: This sequence change replaces glycine, which is neutral and non-polar, with tryptophan, which is neutral and slightly polar, at codon 236 of the SCN9A protein (p.Gly236Trp). This variant is not present in population databases (gnomAD no frequency). This missense change has been observed in individual(s) with clinical features of primary erythromelalgia (Invitae). In at least one individual the variant was observed to be de novo. Advanced modeling of protein sequence and biophysical properties (such as structural, functional, and spatial information, amino acid conservation, physicochemical variation, residue mobility, and thermodynamic stability) has been performed at Invitae for this missense variant, however the output from this modeling did not meet the statistical confidence thresholds required to predict the impact of this variant on SCN9A protein function. In summary, the currently available evidence indicates that the variant is pathogenic, but additional data are needed to prove that conclusively. Therefore, this variant has been classified as Likely Pathogenic.